The following is an entry in ClinVar:

ClinVar aggregate classification (germline): Likely pathogenic (1 of 4 stars; one submission).

Submission:

GeneDx
Classification: Likely pathogenic. Last evaluated: 2018-09-15. Review status: criteria provided, single submitter. Criteria: GeneDx Variant Classification (06012015). Collection method: clinical testing. Allele origin: germline. Affected: yes.
Comment: The c.1289dupG variant in the FGG gene has not been reported previously as a pathogenic variant nor as a benign variant, to our knowledge. This variant replaces the typical last 7 amino acid residues in the FGG protein with 18 different amino acid residues. This alteration may interfere with the proper formation and/or function of the FGG protein. The c.1289dupGvariant is not observed in large population cohorts (Lek et al., 2016). We interpret c.1289dupG as a likely pathogenic variant.

NM_021870.3(FGG):c.1289dup (p.Ala431fs)

Gene: FGG (fibrinogen gamma chain; minus strand). Cytogenetic location: 4q32.1.
Variant type: Duplication.
Coding change: c.1289dup on transcript NM_021870.3 (MANE Select); coding-DNA position 1289, one base duplicated (G; older notation c.1289dupG).
Protein change: p.Ala431fs; shifts the reading frame from alanine 431.
Molecular consequence: frameshift variant.
Genome position (GRCh38, 1-based): chr4:154,604,907, C duplicated on the plus strand (G on the coding strand, the reverse complement: FGG is on the minus strand); the first of 6 consecutive C bases (chr4:154,604,907-154,604,912); duplicating any one gives the same sequence. VCF-style (leftmost placement, unchanged base first): chr4-154604906-T-TC. GRCh37 (hg19) VCF-style: chr4-155526058-T-TC.
Other names: c.1289dup, p.Ala431fs (NM_000509.6); short protein forms A431fs.
Identifiers: ClinVar variation 817223 (VCV000817223.1), dbSNP rs1560833290, ClinGen allele CA915943206.